The following is an entry in ClinVar:

NM_000393.5(COL5A2):c.798+6C>T

Gene: COL5A2 (collagen type V alpha 2 chain; minus strand). Cytogenetic location: 2q32.2.
Variant type: single nucleotide variant.
Coding change: c.798+6C>T on transcript NM_000393.5 (MANE Select); 6 bases into the intron after coding-DNA position 798, C replaced by T.
Molecular consequence: intron variant.
Genome position (GRCh38, 1-based): chr2:189,085,154, G>A on the plus strand (C>T on the coding strand, the complement: COL5A2 is on the minus strand). VCF-style: chr2-189085154-G-A. GRCh37 (hg19) VCF-style: chr2-189949880-G-A.
Identifiers: ClinVar variation 2123548 (VCV002123548.4), dbSNP rs766997568, ClinGen allele CA2580065268.
Genomic context (GRCh38, chr2:189,085,154, plus strand): 5'-CTTGTTAACATTTTAACCCCTTCGCCTCTTCAAAACCTGAATGGAAAATGAGGAAAGGTA[G>A]CTTACATCTTCCCCAGGTTTACCAGGAGGGCCCTCTGGTCCACGTGAACCAATCGGACCC-3'

ClinVar aggregate classification (germline): Uncertain significance (1 of 4 stars; one submission).

Conditions:
Ehlers-Danlos syndrome, classic type, 1 (EDSCL1). Also called: EHLERS-DANLOS SYNDROME, GRAVIS TYPE; EHLERS-DANLOS SYNDROME, SEVERE CLASSIC TYPE; Ehlers-Danlos syndrome, type 1; EDS I; Ehlers-Danlos Syndrome, Classic Type, COL5A1-Related. Identifiers: MedGen C0268335, MONDO:0019567, OMIM 130000.

gnomAD v4.1: 3 of 1,610,618 alleles (0.00019%); highest among the groups gnomAD compares: East Asian, 0.0022%; no homozygotes.

Submission:

Labcorp Genetics (formerly Invitae), Labcorp
Classification: Uncertain significance for Ehlers-Danlos syndrome, classic type, 1. Last evaluated: 2022-05-30. Review status: criteria provided, single submitter. Criteria: Invitae Variant Classification Sherloc (09022015). Collection method: clinical testing. Allele origin: germline.
Comment: This sequence change falls in intron 11 of the COL5A2 gene. It does not directly change the encoded amino acid sequence of the COL5A2 protein. It affects a nucleotide within the consensus splice site. In summary, the available evidence is currently insufficient to determine the role of this variant in disease. Therefore, it has been classified as a Variant of Uncertain Significance. Variants that disrupt the consensus splice site are a relatively common cause of aberrant splicing (PMID: 17576681, 9536098). Algorithms developed to predict the effect of sequence changes on RNA splicing suggest that this variant may disrupt the consensus splice site. This variant has not been reported in the literature in individuals affected with COL5A2-related conditions. This variant is not present in population databases (gnomAD no frequency).

Literature cited by the submitters: PubMed 17576681; PubMed 9536098.